The following is an entry in ClinVar:

NM_032444.4(SLX4):c.3607C>G (p.Pro1203Ala)

Gene: SLX4 (SLX4 structure-specific endonuclease subunit; minus strand). Cytogenetic location: 16p13.3.
Variant type: single nucleotide variant.
Coding change: c.3607C>G on transcript NM_032444.4 (MANE Select); coding-DNA position 3607, C replaced by G.
Protein change: p.Pro1203Ala; replaces proline 1203 with alanine.
Molecular consequence: missense variant.
Genome position (GRCh38, 1-based): chr16:3,590,031, G>C on the plus strand (C>G on the coding strand, the complement: SLX4 is on the minus strand). VCF-style: chr16-3590031-G-C. GRCh37 (hg19) VCF-style: chr16-3640032-G-C.
Other names: short protein forms P1203A.
Identifiers: ClinVar variation 803199 (VCV000803199.8), dbSNP rs745508761, ClinGen allele CA7865890.

ClinVar aggregate classification (germline): Conflicting classifications of pathogenicity. Review status: criteria provided, conflicting classifications (1 of 4 stars). 3 submissions from 3 submitters: Uncertain significance (1); Likely benign (2). Last evaluated 2025-11-06.

Conditions:
Hereditary cancer. Identifiers: MedGen C1333600.
Fanconi anemia (FA). Also called: Fanconi's anemia. Identifiers: Orphanet 84, MedGen C0015625, MeSH D005199, MONDO:0019391.

Allele frequency attached by ClinVar (database versions not stated): gnomAD 0.00001; gnomAD exomes below 0.00001; TOPMed 0.00005; ExAC 0.00001.
gnomAD v4.1: 7 of 1,613,960 alleles (0.00043%); highest among the groups gnomAD compares: Admixed American, 0.0083%; no homozygotes.

Submissions (3):

Dasa
Classification: Likely benign. Last evaluated: 2025-11-06. Review status: criteria provided, single submitter. Criteria: DASA Assertion Criteria. Collection method: clinical testing. Allele origin: germline.
Comment: NM_032444.4(SLX4):c.3607C>G (p.Pro1203Ala) is a missense variant that results in the substitution of proline with alanine. Multiple computational predictions suggest no deleterious effect on the gene or gene product. The variant is present at low frequency in population datasets. Based on the available data, this variant is classified as likely benign.

Mendelics
Classification: Likely benign for Hereditary cancer. Last evaluated: 2025-02-27. Review status: criteria provided, single submitter. Criteria: ACMG Guidelines, 2015. Collection method: clinical testing. Allele origin: unknown.
Comment: This variant is considered likely benign or benign based on one or more of the following: it is predicted to be benign by multiple in silico algorithms, and/or has population frequency not consistent with disease, and/or has normal protein function, and/or has lack of segregation with disease, and/or has been detected in co-occurrence with known pathogenic variant, and/or has lack of disease association in case-control studies, and/or is located in a region inconsistent with a known cause of pathogenicity.

Labcorp Genetics (formerly Invitae), Labcorp
Classification: Uncertain significance for Fanconi anemia. Last evaluated: 2022-04-28. Review status: criteria provided, single submitter. Criteria: Invitae Variant Classification Sherloc (09022015). Collection method: clinical testing. Allele origin: germline.
Comment: This sequence change replaces proline, which is neutral and non-polar, with alanine, which is neutral and non-polar, at codon 1203 of the SLX4 protein (p.Pro1203Ala). This variant is present in population databases (rs745508761, gnomAD no frequency). This variant has not been reported in the literature in individuals affected with SLX4-related conditions. ClinVar contains an entry for this variant (Variation ID: 803199). Algorithms developed to predict the effect of missense changes on protein structure and function (SIFT, PolyPhen-2, Align-GVGD) all suggest that this variant is likely to be tolerated. In summary, the available evidence is currently insufficient to determine the role of this variant in disease. Therefore, it has been classified as a Variant of Uncertain Significance.